The following is an entry in ClinVar:

NM_001378454.1(ALMS1):c.2518G>C (p.Val840Leu)

Gene: ALMS1 (ALMS1 centrosome and basal body associated protein; plus strand). Cytogenetic location: 2p13.1.
Variant type: single nucleotide variant.
Coding change: c.2518G>C on transcript NM_001378454.1 (MANE Select); coding-DNA position 2518, G replaced by C.
Protein change: p.Val840Leu; replaces valine 840 with leucine.
Molecular consequence: missense variant.
Genome position (GRCh38, 1-based): chr2:73,449,045, G>C. VCF-style: chr2-73449045-G-C. GRCh37 (hg19) VCF-style: chr2-73676172-G-C.
Other names: c.2521G>C, p.Val841Leu (NM_015120.4); short protein forms V840L, V841L.
Identifiers: ClinVar variation 3061335 (VCV003061335.1), dbSNP rs2466094873, ClinGen allele CA347270388.

ClinVar aggregate classification (germline): Uncertain significance (1 of 4 stars; one submission).

Conditions:
ALMS1-related disorder. Also called: ALMS1-related condition.

Submission:

PreventionGenetics, part of Exact Sciences
Classification: Uncertain significance for ALMS1-related condition. Last evaluated: 2023-12-29. Review status: criteria provided, single submitter. Criteria: ACMG Guidelines, 2015. Collection method: clinical testing. Allele origin: germline.
Comment: The ALMS1 c.2521G>C variant is predicted to result in the amino acid substitution p.Gly841Arg. To our knowledge, this variant has not been reported in the literature. This variant is reported in 0.0029% of alleles in individuals of Latino descent in gnomAD. At this time, the clinical significance of this variant is uncertain due to the absence of conclusive functional and genetic evidence.